The following is an entry in ClinVar:

NM_004444.5(EPHB4):c.250G>A (p.Val84Ile)

Gene: EPHB4 (EPH receptor B4; minus strand). Cytogenetic location: 7q22.1.
Variant type: single nucleotide variant.
Coding change: c.250G>A on transcript NM_004444.5 (MANE Select); coding-DNA position 250, G replaced by A.
Protein change: p.Val84Ile; replaces valine 84 with isoleucine.
Molecular consequence: missense variant.
Genome position (GRCh38, 1-based): chr7:100,823,805, C>T on the plus strand (G>A on the coding strand, the complement: EPHB4 is on the minus strand). VCF-style: chr7-100823805-C-T. GRCh37 (hg19) VCF-style: chr7-100421427-C-T.
Other names: short protein forms V84I.
Identifiers: ClinVar variation 1792379 (VCV001792379.5), dbSNP rs201465765, ClinGen allele CA4393361.

ClinVar aggregate classification (germline): Conflicting classifications of pathogenicity. Review status: criteria provided, conflicting classifications (1 of 4 stars). 3 submissions from 3 submitters: Uncertain significance (2); Benign (1). Last evaluated 2023-12-12.

Conditions:
Capillary malformation-arteriovenous malformation 2 (CMAVM2). Identifiers: Orphanet 693912, MedGen C4748670, MONDO:0020785, OMIM 618196.
Lymphatic malformation 7 (LMPHM7). Also called: Hydrops fetalis, nonimmune, and/or atrial septal defect, susceptibility to. Identifiers: MedGen C4310629, MONDO:0015009, OMIM 617300.
Cardiovascular phenotype. Identifiers: MedGen CN230736.

Allele frequency attached by ClinVar (database versions not stated): ExAC 0.00002; gnomAD 0.00001; TOPMed 0.00001; 1000 Genomes Project 30x 0.00016; 1000 Genomes Project 0.00020.
gnomAD v4.1: 20 of 1,613,198 alleles (0.0012%); highest among the groups gnomAD compares: Middle Eastern, 0.017%; no homozygotes.

Submissions (3):

Genomic Medicine Center of Excellence, King Faisal Specialist Hospital and Research Centre
Classification: Benign for Capillary malformation-arteriovenous malformation 2. Last evaluated: 2023-12-12. Review status: criteria provided, single submitter. Criteria: ACMG Guidelines, 2015. Collection method: research. Allele origin: germline.

Ambry Genetics
Classification: Uncertain significance for Cardiovascular phenotype. Last evaluated: 2022-07-08. Review status: criteria provided, single submitter. Criteria: Ambry Variant Classification Scheme 2023. Collection method: clinical testing. Allele origin: germline.
Comment: The p.V84I variant (also known as c.250G>A), located in coding exon 3 of the EPHB4 gene, results from a G to A substitution at nucleotide position 250. The valine at codon 84 is replaced by isoleucine, an amino acid with highly similar properties. This amino acid position is conserved. In addition, this alteration is predicted to be tolerated by in silico analysis. Since supporting evidence is limited at this time, the clinical significance of this alteration remains unclear.

Center for Genomics, Ann and Robert H. Lurie Children's Hospital of Chicago
Classification: Uncertain significance for Capillary malformation-arteriovenous malformation 2; Lymphatic malformation 7. Review status: criteria provided, single submitter. Criteria: ACMG Guidelines, 2015. Collection method: clinical testing. Allele origin: germline.
Comment: This variant has not been reported in the literature but is present in the Genome Aggregation Database (Highest reported MAF 0.002% (1/41462). Evolutionary conservation and computational predictive tools suggest that this variant may not impact the protein. In summary, data on this variant is insufficient for disease classification. Therefore, the clinical significance of this variant is uncertain.